The following is an entry in ClinVar:

NM_024426.6(WT1):c.886A>T (p.Ser296Cys)

Gene: WT1 (WT1 transcription factor; minus strand). Cytogenetic location: 11p13.
Variant type: single nucleotide variant.
Coding change: c.886A>T on transcript NM_024426.6 (MANE Select); coding-DNA position 886, A replaced by T.
Protein change: p.Ser296Cys; replaces serine 296 with cysteine.
Molecular consequence: missense variant. On other transcripts: non-coding transcript variant (2).
Genome position (GRCh38, 1-based): chr11:32,427,957, T>A on the plus strand (A>T on the coding strand, the complement: WT1 is on the minus strand). VCF-style: chr11-32427957-T-A. GRCh37 (hg19) VCF-style: chr11-32449503-T-A.
Other names: c.886A>T, p.Ser296Cys (NM_000378.6, NM_001407044.1, NM_001407045.1 and 4 more transcripts); c.235A>T, p.Ser79Cys (NM_001198551.2, NM_001198552.2); c.763A>T, p.Ser255Cys (NM_001407047.1, NM_001407050.1); c.124A>T, p.Ser42Cys (NM_001407051.1); c.667A>T, p.Ser223Cys (NM_001429031.1, NM_001429032.1, NM_001429033.1 and 1 more transcripts); short protein forms S223C, S255C, S291C, S296C, S42C, S79C.
Identifiers: ClinVar variation 4758803 (VCV004758803.1).

ClinVar aggregate classification (germline): Uncertain significance (1 of 4 stars; one submission).

Conditions:
Wilms tumor 1 (WT1). Also called: Wilms tumor, somatic. Identifiers: Orphanet 654, MedGen CN033288, MONDO:0008679, OMIM 194070.

gnomAD v4.1: 7 of 1,608,988 alleles (0.00044%); highest among the groups gnomAD compares: Non-Finnish European, 0.00059%; no homozygotes.

Submission:

Color Diagnostics, LLC DBA Color Health
Classification: Uncertain significance for Wilms tumor 1. Last evaluated: 2025-06-12. Review status: criteria provided, single submitter. Criteria: ACMG Guidelines, 2015. Collection method: clinical testing. Allele origin: germline.
Comment: This missense variant replaces serine with cysteine at codon 291 of the WT1 protein. Computational prediction suggests that this variant may have deleterious impact on protein structure and function. To our knowledge, functional studies have not been reported for this variant. This variant has not been reported in individuals affected with WT1-related disorders in the literature. This variant has not been identified in the general population by the Genome Aggregation Database (gnomAD). The available evidence is insufficient to determine the role of this variant in disease conclusively. Therefore, this variant is classified as a Variant of Uncertain Significance.